The following is an entry in ClinVar:

NM_001367868.2(PLIN4):c.4107C>T (p.Gly1369=)

Gene: PLIN4 (perilipin 4; minus strand). Cytogenetic location: 19p13.3.
Variant type: single nucleotide variant.
Coding change: c.4107C>T on transcript NM_001367868.2 (MANE Select); coding-DNA position 4107, C replaced by T.
Protein change: p.Gly1369=; no amino-acid change (glycine 1369 retained).
Molecular consequence: synonymous variant.
Genome position (GRCh38, 1-based): chr19:4,504,468, G>A on the plus strand (C>T on the coding strand, the complement: PLIN4 is on the minus strand). VCF-style: chr19-4504468-G-A. GRCh37 (hg19) VCF-style: chr19-4504480-G-A.
Other names: c.4110C>T, p.Gly1370= (NM_001393888.1, NM_001393889.1); c.4107C>T, p.Gly1369= (NM_001393890.1, NM_001393891.1).
Identifiers: ClinVar variation 2649037 (VCV002649037.24), dbSNP rs182777366, ClinGen allele CA9099418.

ClinVar aggregate classification (germline): Likely benign (1 of 4 stars; one submission).

Allele frequency attached by ClinVar (database versions not stated): 1000 Genomes Project 30x 0.00016; 1000 Genomes Project 0.00020; gnomAD 0.00104; TOPMed 0.00109; ESP Exome Variant Server 0.00151; gnomAD exomes 0.00169; ExAC 0.00358.
gnomAD v4.1: 2,540 of 1,574,418 alleles (0.16%); highest among the groups gnomAD compares: Non-Finnish European, 0.2%; 5 homozygotes.

Submission:

CeGaT Center for Human Genetics Tuebingen
Classification: Likely benign. Last evaluated: 2026-05-01. Review status: criteria provided, single submitter. Criteria: CeGaT Center For Human Genetics Tuebingen Variant Classification Criteria Version 2. Collection method: clinical testing. Allele origin: germline. Affected: yes. Observed: 4 variant alleles.
Comment: PLIN4: BP4, BP7, BS1